The following is an entry in ClinVar:

NM_000038.6(APC):c.3746G>T (p.Cys1249Phe)

Gene: APC (APC regulator of Wnt signaling pathway; plus strand). Cytogenetic location: 5q22.2.
Variant type: single nucleotide variant.
Coding change: c.3746G>T on transcript NM_000038.6 (MANE Select); coding-DNA position 3746, G replaced by T.
Protein change: p.Cys1249Phe; replaces cysteine 1249 with phenylalanine.
Molecular consequence: missense variant. On other transcripts: non-coding transcript variant (2).
Genome position (GRCh38, 1-based): chr5:112,839,340, G>T. VCF-style: chr5-112839340-G-T. GRCh37 (hg19) VCF-style: chr5-112175037-G-T.
Other names: c.3830G>T, p.Cys1277Phe (NM_001407446.1); c.3800G>T, p.Cys1267Phe (NM_001407447.1, NM_001407448.1, NM_001407449.1 and 1 more transcripts); c.3746G>T, p.Cys1249Phe (NM_001407450.1, NM_001127510.3, NM_001354895.2); c.3725G>T, p.Cys1242Phe (NM_001407451.1); c.3716G>T, p.Cys1239Phe (NM_001407452.1); c.3569G>T, p.Cys1190Phe (NM_001407453.1, NM_001354901.2); c.3497G>T, p.Cys1166Phe (NM_001407454.1, NM_001407455.1, NM_001407456.1 and 1 more transcripts); c.3443G>T, p.Cys1148Phe (NM_001407458.1, NM_001407459.1, NM_001407460.1 and 1 more transcripts); and 12 more; short protein forms C1120F, C1190F, C1231F, C1239F, C1267F, C1277F, C1123F, C1166F.
Identifiers: ClinVar variation 3019588 (VCV003019588.4), dbSNP rs747554965, ClinGen allele CA16029551.
Genomic context (GRCh38, chr5:112,839,340, plus strand): 5'-ATCAGCTCCATCCAAGTTCTGCACAGAGTAGAAGTGGTCAGCCTCAAAAGGCTGCCACTT[G>T]CAAAGTTTCTTCTATTAACCAAGAAACAATACAGACTTATTGTGTAGAAGATACTCCAAT-3'
Protein context (NP_000029.2, residues 1239-1259): RSGQPQKAAT[Cys1249Phe]KVSSINQETI

ClinVar aggregate classification (germline): Uncertain significance. Review status: criteria provided, multiple submitters, no conflicts (2 of 4 stars). 2 submissions from 2 submitters: Uncertain significance (2). Last evaluated 2026-03-12.

Conditions:
Familial adenomatous polyposis 1 (FAP1). Also called: FAMILIAL ADENOMATOUS POLYPOSIS 1, ATTENUATED; POLYPOSIS, ADENOMATOUS INTESTINAL. Identifiers: MedGen C2713442, MONDO:0021056, OMIM 175100. Disease mechanism: loss of function.
Hereditary cancer-predisposing syndrome. Also called: Neoplastic Syndromes, Hereditary; Tumor predisposition; Hereditary Cancer Syndrome; Hereditary neoplastic syndrome. Identifiers: Orphanet 140162, MedGen C0027672, MeSH D009386, MONDO:0015356.

Submissions (2):

Ambry Genetics
Classification: Uncertain significance for Hereditary cancer-predisposing syndrome. Last evaluated: 2026-03-12. Review status: criteria provided, single submitter. Criteria: Ambry Variant Classification Scheme 2023. Collection method: clinical testing. Allele origin: germline.
Comment: The p.C1249F variant (also known as c.3746G>T), located in coding exon 15 of the APC gene, results from a G to T substitution at nucleotide position 3746. The cysteine at codon 1249 is replaced by phenylalanine, an amino acid with highly dissimilar properties. This amino acid position is conserved. In addition, in silico predictors for this gene do not accurately predict pathogenicity. Based on the available evidence, the clinical significance of this variant remains unclear.

Labcorp Genetics (formerly Invitae), Labcorp
Classification: Uncertain significance for Familial adenomatous polyposis 1. Last evaluated: 2024-04-12. Review status: criteria provided, single submitter. Criteria: Invitae Variant Classification Sherloc (09022015). Collection method: clinical testing. Allele origin: germline.
Comment: This sequence change replaces cysteine, which is neutral and slightly polar, with phenylalanine, which is neutral and non-polar, at codon 1249 of the APC protein (p.Cys1249Phe). This variant is not present in population databases (gnomAD no frequency). This variant has not been reported in the literature in individuals affected with APC-related conditions. Advanced modeling of protein sequence and biophysical properties (such as structural, functional, and spatial information, amino acid conservation, physicochemical variation, residue mobility, and thermodynamic stability) performed at Invitae indicates that this missense variant is not expected to disrupt APC protein function with a negative predictive value of 95%. In summary, the available evidence is currently insufficient to determine the role of this variant in disease. Therefore, it has been classified as a Variant of Uncertain Significance.